The following is an entry in ClinVar:

ClinVar aggregate classification (germline): Uncertain significance. Review status: criteria provided, multiple submitters, no conflicts (2 of 4 stars). 2 submissions from 2 submitters: Uncertain significance (2). Last evaluated 2025-01-06.

Conditions:
Epidermolysis bullosa simplex with nail dystrophy (EBS5D). Identifiers: MedGen C4225309, MONDO:0014661, OMIM 616487.
Epidermolysis bullosa simplex, Ogna type (EBS5A). Also called: Pidermolysis bullosa simplex 5A, Ogna type; EPIDERMOLYSIS BULLOSA SIMPLEX 5A, OGNA TYPE. Identifiers: Orphanet 79401, MedGen C0432317, MONDO:0007555, OMIM 131950.
Autosomal recessive limb-girdle muscular dystrophy type 2Q (LGMDR17). Also called: MUSCULAR DYSTROPHY, LIMB-GIRDLE, AUTOSOMAL RECESSIVE 17. Identifiers: Orphanet 254361, MedGen C3150989, MONDO:0013390, OMIM 613723.
Epidermolysis bullosa simplex 5C, with pyloric atresia (EBS5C). Also called: PLEC-Related Epidermolysis Bullosa with Pyloric Atresia; Epidermolysis bullosa simplex with pyloric atresia; PLEC1-Related Epidermolysis Bullosa with Pyloric Atresia. Identifiers: Orphanet 158684, MedGen C2677349, MONDO:0012807, OMIM 612138.
Epidermolysis bullosa simplex 5B, with muscular dystrophy (EBS5B). Also called: EPIDERMOLYSIS BULLOSA SIMPLEX AND LIMB-GIRDLE MUSCULAR DYSTROPHY; Epidermolysis bullosa simplex with muscular dystrophy. Identifiers: Orphanet 257, MedGen C2931072, MONDO:0009181, OMIM 226670.
Inborn genetic diseases. Identifiers: MedGen C0950123, MeSH D030342.

Allele frequency attached by ClinVar (database versions not stated): TOPMed 0.00005; gnomAD 0.00006.
gnomAD v4.1: 14 of 1,595,654 alleles (0.00088%); highest among the groups gnomAD compares: East Asian, 0.031%; no homozygotes.

Submissions (2):

Labcorp Genetics (formerly Invitae), Labcorp
Classification: Uncertain significance for Autosomal recessive limb-girdle muscular dystrophy type 2Q; Epidermolysis bullosa simplex, Ogna type; Epidermolysis bullosa simplex with nail dystrophy; Epidermolysis bullosa simplex 5C, with pyloric atresia; Epidermolysis bullosa simplex 5B, with muscular dystrophy. Last evaluated: 2025-01-06. Review status: criteria provided, single submitter. Criteria: Invitae Variant Classification Sherloc (09022015). Collection method: clinical testing. Allele origin: germline.
Comment: This sequence change replaces arginine, which is basic and polar, with glycine, which is neutral and non-polar, at codon 1506 of the PLEC protein (p.Arg1506Gly). This variant is present in population databases (rs782801825, gnomAD 0.08%). This variant has not been reported in the literature in individuals affected with PLEC-related conditions. ClinVar contains an entry for this variant (Variation ID: 471589). Invitae Evidence Modeling of protein sequence and biophysical properties (such as structural, functional, and spatial information, amino acid conservation, physicochemical variation, residue mobility, and thermodynamic stability) indicates that this missense variant is not expected to disrupt PLEC protein function with a negative predictive value of 80%. In summary, the available evidence is currently insufficient to determine the role of this variant in disease. Therefore, it has been classified as a Variant of Uncertain Significance.

Ambry Genetics
Classification: Uncertain significance for Inborn genetic diseases. Last evaluated: 2024-01-23. Review status: criteria provided, single submitter. Criteria: Ambry Variant Classification Scheme 2023. Collection method: clinical testing. Allele origin: germline.

NM_201384.3(PLEC):c.4435C>G (p.Arg1479Gly)

Gene: PLEC (plectin; minus strand). Cytogenetic location: 8q24.3.
Variant type: single nucleotide variant.
Coding change: c.4435C>G on transcript NM_201384.3 (MANE Select); coding-DNA position 4435, C replaced by G.
Protein change: p.Arg1479Gly; replaces arginine 1479 with glycine.
Molecular consequence: missense variant.
Genome position (GRCh38, 1-based): chr8:143,925,494, G>C on the plus strand (C>G on the coding strand, the complement: PLEC is on the minus strand). VCF-style: chr8-143925494-G-C. GRCh37 (hg19) VCF-style: chr8-144999662-G-C.
Other names: c.4516C>G, p.Arg1506Gly (NM_000445.5); c.4393C>G, p.Arg1465Gly (NM_201378.4); c.4369C>G, p.Arg1457Gly (NM_201379.3); c.4846C>G, p.Arg1616Gly (NM_201380.4); c.4339C>G, p.Arg1447Gly (NM_201381.3); c.4435C>G, p.Arg1479Gly (NM_201382.4); c.4447C>G, p.Arg1483Gly (NM_201383.3); c.4516C>G (NM_000445.3); short protein forms R1465G, R1483G, R1447G, R1457G, R1479G, R1506G, R1616G.
Identifiers: ClinVar variation 471589 (VCV000471589.7), dbSNP rs782801825, ClinGen allele CA4926661.
Genomic context (GRCh38, chr8:143,925,494, plus strand): 5'-AGCGCTCGGCCTCCTCCTGCGCCTGTCGCTTTTGTGCCTCAGCCTCCTCCGCCCGTGCAC[G>C]CAGTGCCTGCAGCTCCCCCTCAGCCCCGCCACGCTGGCGCTCGGTGGCCTCCAACTGCAG-3'
Protein context (NP_958786.1, residues 1469-1489): GGAEGELQAL[Arg1479Gly]ARAEEAEAQK